The following is an entry in ClinVar:

ClinVar aggregate classification (germline): Uncertain significance. Review status: criteria provided, multiple submitters, no conflicts (2 of 4 stars). 2 submissions from 2 submitters: Uncertain significance (2). Last evaluated 2025-11-24.

Conditions:
Inborn genetic diseases. Identifiers: MedGen C0950123, MeSH D030342.

Allele frequency attached by ClinVar (database versions not stated): TOPMed 0.00001; gnomAD 0.00003.

Submissions (2):

Labcorp Genetics (formerly Invitae), Labcorp
Classification: Uncertain significance. Last evaluated: 2025-11-24. Review status: criteria provided, single submitter. Criteria: Invitae Variant Classification Sherloc (09022015). Collection method: clinical testing. Allele origin: germline.
Comment: This sequence change replaces arginine, which is basic and polar, with cysteine, which is neutral and slightly polar, at codon 193 of the WDR4 protein (p.Arg193Cys). The frequency data for this variant in the population databases is considered unreliable, as metrics indicate poor data quality at this position in the gnomAD database. This variant has not been reported in the literature in individuals affected with WDR4-related conditions. ClinVar contains an entry for this variant (Variation ID: 2161782). Invitae Evidence Modeling of protein sequence and biophysical properties (such as structural, functional, and spatial information, amino acid conservation, physicochemical variation, residue mobility, and thermodynamic stability) indicates that this missense variant is not expected to disrupt WDR4 protein function with a negative predictive value of 80%. In summary, the available evidence is currently insufficient to determine the role of this variant in disease. Therefore, it has been classified as a Variant of Uncertain Significance.

Ambry Genetics
Classification: Uncertain significance for Inborn genetic diseases. Last evaluated: 2025-01-20. Review status: criteria provided, single submitter. Criteria: Ambry Variant Classification Scheme 2023. Collection method: clinical testing. Allele origin: germline.

NM_018669.6(WDR4):c.577C>T (p.Arg193Cys)

Gene: WDR4 (WDR4 tRNA N7-guanosine methyltransferase non-catalytic subunit; minus strand). Cytogenetic location: 21q22.3.
Variant type: single nucleotide variant.
Coding change: c.577C>T on transcript NM_018669.6 (MANE Select); coding-DNA position 577, C replaced by T.
Protein change: p.Arg193Cys; replaces arginine 193 with cysteine.
Molecular consequence: missense variant. On other transcripts: non-coding transcript variant (1).
Genome position (GRCh38, 1-based): chr21:42,859,712, G>A on the plus strand (C>T on the coding strand, the complement: WDR4 is on the minus strand). VCF-style: chr21-42859712-G-A. GRCh37 (hg19) VCF-style: chr21-44279822-G-A.
Other names: c.577C>T, p.Arg193Cys (NM_001260474.2, NM_033661.5); c.139C>T, p.Arg47Cys (NM_001260475.2, NM_001260476.2, NM_001260477.2 and 1 more transcripts); c.577C>T (NM_018669.4); short protein forms R193C, R47C.
Identifiers: ClinVar variation 2161782 (VCV002161782.3), dbSNP rs1401233614, ClinGen allele CA410391607.